The following is an entry in ClinVar:

NM_001032283.3(TMPO):c.565+1468A>G

Gene: TMPO (thymopoietin; plus strand). Cytogenetic location: 12q23.1.
Variant type: single nucleotide variant.
Coding change: c.565+1468A>G on transcript NM_001032283.3 (MANE Select); 1468 bases into the intron after coding-DNA position 565, A replaced by G.
Molecular consequence: intron variant. On other transcripts: missense variant (1).
Genome position (GRCh38, 1-based): chr12:98,533,306, A>G. VCF-style: chr12-98533306-A-G. GRCh37 (hg19) VCF-style: chr12-98927084-A-G.
Other names: c.1049A>G, p.Gln350Arg (NM_003276.2); c.565+1468A>G (NM_001307975.2, NM_001032284.3); short protein forms Q350R.
Identifiers: ClinVar variation 1154234 (VCV001154234.11), dbSNP rs202106275, ClinGen allele CA6732349.
Genomic context (GRCh38, chr12:98,533,306, plus strand): 5'-GCGGTAGAGAGAAAAGTGGAATTCAACCATTATGTCCTGAGAGGTCCCATATTTCAGATC[A>G]ATCGCCTCTCTCCAGTAAAAGGAAAGCACTAGAAGAGTCTGAGAGCTCACAACTAATTTC-3'

ClinVar aggregate classification (germline): Conflicting classifications of pathogenicity. Review status: criteria provided, conflicting classifications (1 of 4 stars). 2 submissions from 2 submitters: Uncertain significance (1); Likely benign (1). Last evaluated 2025-06-19.

Conditions:
Loeys-Dietz syndrome 2 (LDS2). Also called: TGFBR2-Related Loeys-Dietz Syndrome; Marfan syndrome, type 2 (formerly); AORTIC ANEURYSM, FAMILIAL THORACIC 3; MARFAN SYNDROME, TYPE II; Marfan Syndrome type 2; Marfan like connective tissue disorder. Identifiers: Orphanet 284973, Orphanet 558, MedGen C2674574, MONDO:0012427, OMIM 610168.

Allele frequency attached by ClinVar (database versions not stated): gnomAD 0.00001 and 0.00002; ExAC 0.00003; TOPMed 0.00005; gnomAD exomes 0.00007; 1000 Genomes Project 30x 0.00016; 1000 Genomes Project 0.00020.
gnomAD v4.1: 72 of 1,614,130 alleles (0.0045%); highest among the groups gnomAD compares: East Asian, 0.16%; no homozygotes.

Submissions (2):

Labcorp Genetics (formerly Invitae), Labcorp
Classification: Likely benign for Loeys-Dietz syndrome 2. Last evaluated: 2025-06-19. Review status: criteria provided, single submitter. Criteria: Invitae Variant Classification Sherloc (09022015). Collection method: clinical testing. Allele origin: germline.

GeneDx
Classification: Uncertain significance. Last evaluated: 2019-05-15. Review status: criteria provided, single submitter. Criteria: GeneDx Variant Classification Process June 2021. Collection method: clinical testing. Allele origin: germline. Affected: yes.
Comment: Has not been previously published as pathogenic or benign to our knowledge; In silico analysis, which includes protein predictors and evolutionary conservation, supports that this variant does not alter protein structure/function; This variant is associated with the following publications: (PMID: 31983221)